The following is an entry in ClinVar:

ClinVar aggregate classification (germline): Uncertain significance (1 of 4 stars; one submission).

Submission:

Labcorp Genetics (formerly Invitae), Labcorp
Classification: Uncertain significance. Last evaluated: 2025-04-19. Review status: criteria provided, single submitter. Criteria: Invitae Variant Classification Sherloc (09022015). Collection method: clinical testing. Allele origin: germline.
Comment: This sequence change replaces alanine, which is neutral and non-polar, with threonine, which is neutral and polar, at codon 123 of the CACNA1F protein (p.Ala123Thr). This variant is not present in population databases (gnomAD no frequency). This variant has not been reported in the literature in individuals affected with CACNA1F-related conditions. Invitae Evidence Modeling of protein sequence and biophysical properties (such as structural, functional, and spatial information, amino acid conservation, physicochemical variation, residue mobility, and thermodynamic stability) indicates that this missense variant is not expected to disrupt CACNA1F protein function with a negative predictive value of 80%. In summary, the available evidence is currently insufficient to determine the role of this variant in disease. Therefore, it has been classified as a Variant of Uncertain Significance.

NM_001256789.3(CACNA1F):c.367G>A (p.Ala123Thr)

Gene: CACNA1F (calcium voltage-gated channel subunit alpha1 F; minus strand). Cytogenetic location: Xp11.23.
Variant type: single nucleotide variant.
Coding change: c.367G>A on transcript NM_001256789.3 (MANE Select); coding-DNA position 367, G replaced by A.
Protein change: p.Ala123Thr; replaces alanine 123 with threonine.
Molecular consequence: missense variant.
Genome position (GRCh38, 1-based): chrX:49,231,216, C>T on the plus strand (G>A on the coding strand, the complement: CACNA1F is on the minus strand). VCF-style: chrX-49231216-C-T. GRCh37 (hg19) VCF-style: chrX-49087678-C-T.
Other names: c.172G>A, p.Ala58Thr (NM_001256790.3); c.367G>A, p.Ala123Thr (NM_005183.4); short protein forms A58T, A123T.
Identifiers: ClinVar variation 4742985 (VCV004742985.1).
Genomic context (GRCh38, chrX:49,231,216, plus strand): 5'-GGGGCTCTATTTGGCTGGGAACTGGCTGGGGCGGGGCGGGCCTTACCAGGTTGTGGTTGG[C>T]AGTGTTGGAGTCGTCCTCAGGGAAGGGGATGTAAACTCCCAGGGCCACGCAGTTGGCAAA-3'
Protein context (NP_001243718.1, residues 113-133): IPFPEDDSNT[Ala123Thr]NHNLEQVEYV